The following is an entry in ClinVar:

NM_000053.4(ATP7B):c.530C>G (p.Ser177Ter)

Gene: ATP7B (ATPase copper transporting beta; minus strand). Cytogenetic location: 13q14.3.
Variant type: single nucleotide variant.
Coding change: c.530C>G on transcript NM_000053.4 (MANE Select); coding-DNA position 530, C replaced by G.
Protein change: p.Ser177Ter; replaces serine 177 with a stop codon.
Molecular consequence: nonsense.
Genome position (GRCh38, 1-based): chr13:51,974,690, G>C on the plus strand (C>G on the coding strand, the complement: ATP7B is on the minus strand). VCF-style: chr13-51974690-G-C. GRCh37 (hg19) VCF-style: chr13-52548826-G-C.
Other names: c.530C>G, p.Ser177Ter (NM_001406525.1, NM_001406526.1, NM_001406527.1 and 30 more transcripts); c.434C>G, p.Ser145Ter (NM_001406530.1, NM_001406536.1, NM_001406539.1 and 4 more transcripts); short protein forms S145*, S177*.
Identifiers: ClinVar variation 3385821 (VCV003385821.1).

ClinVar aggregate classification (germline): Uncertain significance (1 of 4 stars; one submission).

Conditions:
Wilson disease (WND). Also called: Wilson's disease. Identifiers: Orphanet 905, MedGen C0019202, MONDO:0010200, OMIM 277900. Disease mechanism: loss of function.

Submission:

All of Us Research Program, National Institutes of Health
Classification: Uncertain significance for Wilson disease. Last evaluated: 2023-08-15. Review status: criteria provided, single submitter. Criteria: ACMG Guidelines, 2015. Collection method: clinical testing. Allele origin: germline. Inheritance: Autosomal recessive inheritance. Observed: 1 variant allele, 1 heterozygote.
Comment: This study involves interpretation of variants in research participants for the purpose of population health screening. Participant phenotype was not available at the time of variant classification. Additional details can be found in publication PMID: 35346344, PMCID: PMC8962531